The following is an entry in ClinVar:

ClinVar aggregate classification (germline): Uncertain significance. Review status: criteria provided, multiple submitters, no conflicts (2 of 4 stars). 2 submissions from 2 submitters: Uncertain significance (2). Last evaluated 2025-12-29.

Submissions (2):

Center for Genomic Medicine, Rigshospitalet, Copenhagen University Hospital
Classification: Uncertain significance. Last evaluated: 2025-12-29. Review status: criteria provided, single submitter. Criteria: ACMG Guidelines, 2015. Collection method: clinical testing. Allele origin: germline.

Labcorp Genetics (formerly Invitae), Labcorp
Classification: Uncertain significance. Last evaluated: 2022-05-03. Review status: criteria provided, single submitter. Criteria: Invitae Variant Classification Sherloc (09022015). Collection method: clinical testing. Allele origin: germline.
Comment: In summary, the available evidence is currently insufficient to determine the role of this variant in disease. Therefore, it has been classified as a Variant of Uncertain Significance. Algorithms developed to predict the effect of sequence changes on RNA splicing suggest that this variant may disrupt the consensus splice site. Algorithms developed to predict the effect of missense changes on protein structure and function output the following: SIFT: "Tolerated"; PolyPhen-2: "Benign"; Align-GVGD: "Class C0". The valine amino acid residue is found in multiple mammalian species, which suggests that this missense change does not adversely affect protein function. This variant has not been reported in the literature in individuals affected with POLE-related conditions. This variant is not present in population databases (gnomAD no frequency). This sequence change replaces methionine, which is neutral and non-polar, with valine, which is neutral and non-polar, at codon 2047 of the POLE protein (p.Met2047Val).

NM_006231.4(POLE):c.6139A>G (p.Met2047Val)

Gene: POLE (DNA polymerase epsilon, catalytic subunit; minus strand). Cytogenetic location: 12q24.33.
Variant type: single nucleotide variant.
Coding change: c.6139A>G on transcript NM_006231.4 (MANE Select); coding-DNA position 6139, A replaced by G.
Protein change: p.Met2047Val; replaces methionine 2047 with valine.
Molecular consequence: missense variant.
Genome position (GRCh38, 1-based): chr12:132,632,506, T>C on the plus strand (A>G on the coding strand, the complement: POLE is on the minus strand). VCF-style: chr12-132632506-T-C. GRCh37 (hg19) VCF-style: chr12-133209092-T-C.
Other names: short protein forms M2047V.
Identifiers: ClinVar variation 2132956 (VCV002132956.5), dbSNP rs2541854805, ClinGen allele CA387370097.